The following is an entry in ClinVar:

ClinVar aggregate classification (germline): Uncertain significance (1 of 4 stars; one submission).

Conditions:
Mitochondrial complex V (ATP synthase) deficiency, nuclear type 2. Also called: Nuclear-Encoded ATPase Deficiency, TMEM70-Related; ENCEPHALOCARDIOMYOPATHY, MITOCHONDRIAL, NEONATAL, DUE TO ATP SYNTHASE DEFICIENCY; MITOCHONDRIAL COMPLEX V (ATP SYNTHASE) DEFICIENCY, TMEM70 TYPE. Identifiers: Orphanet 1194, MedGen C3279699, MONDO:0013546, OMIM 614052.

Allele frequency attached by ClinVar (database versions not stated): gnomAD exomes below 0.00001; gnomAD 0.00001; TOPMed 0.00001.
gnomAD v4.1: 4 of 1,613,634 alleles (0.00025%); highest among the groups gnomAD compares: Non-Finnish European, 0.00034%; no homozygotes.

Submission:

Labcorp Genetics (formerly Invitae), Labcorp
Classification: Uncertain significance for Mitochondrial complex V (ATP synthase) deficiency, nuclear type 2. Last evaluated: 2022-08-19. Review status: criteria provided, single submitter. Criteria: Invitae Variant Classification Sherloc (09022015). Collection method: clinical testing. Allele origin: germline.
Comment: This sequence change replaces aspartic acid, which is acidic and polar, with glutamic acid, which is acidic and polar, at codon 231 of the TMEM70 protein (p.Asp231Glu). This variant is not present in population databases (gnomAD no frequency). This variant has not been reported in the literature in individuals affected with TMEM70-related conditions. Algorithms developed to predict the effect of missense changes on protein structure and function are either unavailable or do not agree on the potential impact of this missense change (SIFT: "Tolerated"; PolyPhen-2: "Probably Damaging"; Align-GVGD: "Class C0"). In summary, the available evidence is currently insufficient to determine the role of this variant in disease. Therefore, it has been classified as a Variant of Uncertain Significance.

NM_017866.6(TMEM70):c.693C>G (p.Asp231Glu)

Gene: TMEM70 (transmembrane protein 70; plus strand). Cytogenetic location: 8q21.11.
Variant type: single nucleotide variant.
Coding change: c.693C>G on transcript NM_017866.6 (MANE Select); coding-DNA position 693, C replaced by G.
Protein change: p.Asp231Glu; replaces aspartic acid 231 with glutamic acid.
Molecular consequence: missense variant. On other transcripts: 3 prime UTR variant (1), non-coding transcript variant (1).
Genome position (GRCh38, 1-based): chr8:73,981,531, C>G. VCF-style: chr8-73981531-C-G. GRCh37 (hg19) VCF-style: chr8-74893766-C-G.
Other names: c.*383C>G (NM_001040613.3); short protein forms D231E.
Identifiers: ClinVar variation 2041698 (VCV002041698.1), dbSNP rs1433128227, ClinGen allele CA371490534.